The following is an entry in ClinVar:

NM_020320.5(RARS2):c.1518C>T (p.Asp506=)

Gene: RARS2 (arginyl-tRNA synthetase 2, mitochondrial; minus strand). Cytogenetic location: 6q15.
Variant type: single nucleotide variant.
Coding change: c.1518C>T on transcript NM_020320.5 (MANE Select); coding-DNA position 1518, C replaced by T.
Protein change: p.Asp506=; no amino-acid change (aspartic acid 506 retained).
Molecular consequence: synonymous variant. On other transcripts: non-coding transcript variant (23).
Genome position (GRCh38, 1-based): chr6:87,516,874, G>A on the plus strand (C>T on the coding strand, the complement: RARS2 is on the minus strand). VCF-style: chr6-87516874-G-A. GRCh37 (hg19) VCF-style: chr6-88226592-G-A.
Other names: c.993C>T, p.Asp331= (NM_001318785.2, NM_001350506.2, NM_001350507.2 and 4 more transcripts); c.1518C>T, p.Asp506= (NM_001350505.2).
Identifiers: ClinVar variation 703587 (VCV000703587.19), dbSNP rs754538094, ClinGen allele CA3916233.

ClinVar aggregate classification (germline): Likely benign. Review status: criteria provided, multiple submitters, no conflicts (2 of 4 stars). 4 submissions from 4 submitters: Likely benign (3). 1 of the submissions does not count toward it. Last evaluated 2026-07-01.

Conditions:
Pontocerebellar hypoplasia type 6 (PCH6). Identifiers: Orphanet 166073, MedGen C1969084, MONDO:0012683, OMIM 611523.

Allele frequency attached by ClinVar (database versions not stated): ExAC 0.00008; gnomAD exomes 0.00024; gnomAD 0.00058 and 0.00059; TOPMed 0.00063.
gnomAD v4.1: 181 of 1,613,530 alleles (0.011%); highest among the groups gnomAD compares: Admixed American, 0.29%; 2 homozygotes.

Submissions (4):

CeGaT Center for Human Genetics Tuebingen
Classification: Likely benign. Last evaluated: 2026-07-01. Review status: criteria provided, single submitter. Criteria: CeGaT Center For Human Genetics Tuebingen Variant Classification Criteria Version 2. Collection method: clinical testing. Allele origin: germline. Affected: yes. Observed: 2 variant alleles.
Comment: RARS2: BP4, BP7

Labcorp Genetics (formerly Invitae), Labcorp
Classification: Likely benign. Last evaluated: 2026-01-20. Review status: criteria provided, single submitter. Criteria: Invitae Variant Classification Sherloc (09022015). Collection method: clinical testing. Allele origin: germline.

GeneDx
Classification: Likely benign. Last evaluated: 2020-02-28. Review status: criteria provided, single submitter. Criteria: GeneDx Variant Classification Process June 2021. Collection method: clinical testing. Allele origin: germline. Affected: yes.

Natera, Inc.
Classification: Uncertain significance for Pontocerebellar hypoplasia, type 6. Last evaluated: 2020-01-24. Review status: no assertion criteria provided. Collection method: clinical testing. Allele origin: germline. Not counted in ClinVar's aggregate classification.